The following is an entry in ClinVar:

NM_177438.3(DICER1):c.1233A>T (p.Ser411=)

Gene: DICER1 (dicer 1, ribonuclease III; minus strand). Cytogenetic location: 14q32.13.
Variant type: single nucleotide variant.
Coding change: c.1233A>T on transcript NM_177438.3 (MANE Select); coding-DNA position 1233, A replaced by T.
Protein change: p.Ser411=; no amino-acid change (serine 411 retained).
Molecular consequence: synonymous variant.
Genome position (GRCh38, 1-based): chr14:95,124,339, T>A on the plus strand (A>T on the coding strand, the complement: DICER1 is on the minus strand). VCF-style: chr14-95124339-T-A. GRCh37 (hg19) VCF-style: chr14-95590676-T-A.
Other names: c.1233A>T, p.Ser411= (NM_001195573.1, NM_001271282.3, NM_001291628.2 and 1 more transcripts).
Identifiers: ClinVar variation 744396 (VCV000744396.23), dbSNP rs111595160, ClinGen allele CA487845214.

ClinVar aggregate classification (germline): Likely benign. Review status: criteria provided, multiple submitters, no conflicts (2 of 4 stars). 2 submissions from 2 submitters: Likely benign (2). Last evaluated 2024-10-01.

Conditions:
DICER1-related tumor predisposition. Also called: DICER1 syndrome; DICER1-related pleuropulmonary blastoma cancer predisposition syndrome. Identifiers: Orphanet 284343, MedGen C3839822, MONDO:0100216.

gnomAD v4.1: 3 of 1,613,970 alleles (0.00019%); highest among the groups gnomAD compares: Non-Finnish European, 0.00025%; no homozygotes.

Submissions (2):

CeGaT Center for Human Genetics Tuebingen
Classification: Likely benign. Last evaluated: 2024-10-01. Review status: criteria provided, single submitter. Criteria: CeGaT Center For Human Genetics Tuebingen Variant Classification Criteria Version 2. Collection method: clinical testing. Allele origin: germline. Affected: yes. Observed: 1 variant allele.
Comment: DICER1: BP4, BP7

Labcorp Genetics (formerly Invitae), Labcorp
Classification: Likely benign for DICER1-related tumor predisposition. Last evaluated: 2022-02-18. Review status: criteria provided, single submitter. Criteria: Invitae Variant Classification Sherloc (09022015). Collection method: clinical testing. Allele origin: germline.